The following is an entry in ClinVar:

ClinVar aggregate classification (germline): Conflicting classifications of pathogenicity. Review status: criteria provided, conflicting classifications (1 of 4 stars). 2 submissions from 2 submitters: Likely pathogenic (1); Uncertain significance (1). Last evaluated 2025-03-28.

Conditions:
Leber congenital amaurosis 14 (LCA14). Identifiers: MedGen C2750063, MONDO:0013231, OMIM 613341.

Allele frequency attached by ClinVar (database versions not stated): gnomAD exomes below 0.00001; TOPMed below 0.00001; gnomAD 0.00001.

Submissions (2):

GeneDx
Classification: Likely pathogenic. Last evaluated: 2025-03-28. Review status: criteria provided, single submitter. Criteria: GeneDx Variant Classification Process June 2021. Collection method: clinical testing. Allele origin: germline. Affected: yes.
Comment: Not observed at significant frequency in large population cohorts (gnomAD); In silico analysis supports that this missense variant has a deleterious effect on protein structure/function; This variant is associated with the following publications: (PMID: 31561851, 31964843, 22570351, 34906470, 38219857)

Ocular Genomics Institute, Massachusetts Eye and Ear
Classification: Uncertain significance for Leber congenital amaurosis 14. Last evaluated: 2021-04-08. Review status: criteria provided, single submitter. Criteria: ACMG Guidelines, 2015. Collection method: research. Allele origin: germline. Affected: yes.
Comment: Through a review of available evidence we were able to apply the following criteria: PM2, BP4. Based on this evidence we have classified this variant as Variant of Uncertain Significance.

Literature cited by the submitters: PubMed 22570351 (cited by Ocular Genomics Institute, Massachusetts Eye and Ear).

NM_004744.5(LRAT):c.316G>A (p.Ala106Thr)

Gene: LRAT (lecithin retinol acyltransferase; plus strand). Cytogenetic location: 4q32.1.
Variant type: single nucleotide variant.
Coding change: c.316G>A on transcript NM_004744.5 (MANE Select); coding-DNA position 316, G replaced by A.
Protein change: p.Ala106Thr; replaces alanine 106 with threonine.
Molecular consequence: missense variant.
Genome position (GRCh38, 1-based): chr4:154,744,642, G>A. VCF-style: chr4-154744642-G-A. GRCh37 (hg19) VCF-style: chr4-155665794-G-A.
Other names: c.316G>A, p.Ala106Thr (NM_001301645.2); short protein forms A106T.
Identifiers: ClinVar variation 1065731 (VCV001065731.2), dbSNP rs920685564, ClinGen allele CA108930214.